The following is an entry in ClinVar:

ClinVar aggregate classification (germline): Likely benign. Review status: criteria provided, multiple submitters, no conflicts (2 of 4 stars). 3 submissions from 3 submitters: Likely benign (2). 1 of the submissions does not count toward it. Last evaluated 2023-12-26.

Conditions:
SLC12A3-related disorder. Also called: SLC12A3-related condition.

Allele frequency attached by ClinVar (database versions not stated): gnomAD exomes below 0.00001 and 0.00001; ExAC 0.00001; TOPMed 0.00003; gnomAD 0.00006; ESP Exome Variant Server 0.00008.
gnomAD v4.1: 17 of 1,613,716 alleles (0.0011%); highest among the groups gnomAD compares: Non-Finnish European, 0.0014%; no homozygotes.

Submissions (3):

Labcorp Genetics (formerly Invitae), Labcorp
Classification: Likely benign. Last evaluated: 2023-12-26. Review status: criteria provided, single submitter. Criteria: Invitae Variant Classification Sherloc (09022015). Collection method: clinical testing. Allele origin: germline.

Blueprint Genetics
Classification: Likely benign. Last evaluated: 2020-08-21. Review status: criteria provided, single submitter. Criteria: ACMG Guidelines, 2015. Collection method: clinical testing. Allele origin: germline.

PreventionGenetics, part of Exact Sciences
Classification: Likely benign for SLC12A3-related condition. Last evaluated: 2019-05-31. Review status: no assertion criteria provided. Collection method: clinical testing. Allele origin: germline. Not counted in ClinVar's aggregate classification.
Comment: This variant is classified as likely benign based on ACMG/AMP sequence variant interpretation guidelines (Richards et al. 2015 PMID: 25741868, with internal and published modifications).

NM_001126108.2(SLC12A3):c.1368G>A (p.Leu456=)

Gene: SLC12A3 (solute carrier family 12 member 3; plus strand). Cytogenetic location: 16q13.
Variant type: single nucleotide variant.
Coding change: c.1368G>A on transcript NM_001126108.2 (MANE Select); coding-DNA position 1368, G replaced by A.
Protein change: p.Leu456=; no amino-acid change (leucine 456 retained).
Molecular consequence: synonymous variant.
Genome position (GRCh38, 1-based): chr16:56,879,574, G>A. VCF-style: chr16-56879574-G-A. GRCh37 (hg19) VCF-style: chr16-56913486-G-A.
Other names: c.1368G>A, p.Leu456= (NM_000339.3); c.1365G>A, p.Leu455= (NM_001126107.2); c.1368G>A (NM_000339.2).
Identifiers: ClinVar variation 1100122 (VCV001100122.12), dbSNP rs139817489, ClinGen allele CA8069447.